The following is an entry in ClinVar:

ClinVar aggregate classification (germline): Benign/Likely benign. Review status: criteria provided, multiple submitters, no conflicts (2 of 4 stars). 4 submissions from 4 submitters: Benign (1); Likely benign (3). Last evaluated 2026-01-28.

Conditions:
Spastic paraplegia. Identifiers: MedGen C0037772, HP:0001258.

Submissions (4):

Labcorp Genetics (formerly Invitae), Labcorp
Classification: Benign for Spastic paraplegia. Last evaluated: 2026-01-28. Review status: criteria provided, single submitter. Criteria: Invitae Variant Classification Sherloc (09022015). Collection method: clinical testing. Allele origin: germline.

Blueprint Genetics
Classification: Likely benign. Last evaluated: 2024-11-13. Review status: criteria provided, single submitter. Criteria: ACMG Guidelines, 2015. Collection method: clinical testing. Allele origin: germline.

ARUP Laboratories, Molecular Genetics and Genomics, ARUP Laboratories
Classification: Likely benign. Last evaluated: 2021-05-07. Review status: criteria provided, single submitter. Criteria: ARUP Molecular Germline Variant Investigation Process 2021. Collection method: clinical testing. Allele origin: germline.

GeneDx
Classification: Likely benign. Last evaluated: 2018-03-06. Review status: criteria provided, single submitter. Criteria: GeneDx Variant Classification (06012015). Collection method: clinical testing. Allele origin: germline. Affected: yes.
Comment: This variant is considered likely benign or benign based on one or more of the following criteria: it is a conservative change, it occurs at a poorly conserved position in the protein, it is predicted to be benign by multiple in silico algorithms, and/or has population frequency not consistent with disease.

NM_004984.4(KIF5A):c.397-16_397-14del

Gene: KIF5A (kinesin family member 5A; plus strand). Cytogenetic location: 12q13.3.
Variant type: Microsatellite.
Coding change: c.397-16_397-14del on transcript NM_004984.4 (MANE Select); 16 bases into the intron before coding-DNA position 397 through 14 bases into the intron before coding-DNA position 397, 3 bases deleted (CTT; older notation c.397-16_397-14delCTT).
Molecular consequence: intron variant.
Genome position (GRCh38, 1-based): chr12:57,564,444-57,564,446, CTT deleted; deleting any 3 consecutive bases within chr12:57,564,441-57,564,446 gives the same sequence; the c. name uses the placement nearest the transcript's 3' end. VCF-style (leftmost placement, unchanged base first): chr12-57564440-CCTT-C. GRCh37 (hg19) VCF-style: chr12-57958223-CCTT-C.
Other names: c.397-16_397-14delCTT (NM_004984.2); c.130-16_130-14del (NM_001354705.2).
Identifiers: ClinVar variation 515996 (VCV000515996.17), dbSNP rs375316447, ClinGen allele CA6652580.